The following is an entry in ClinVar:

NM_001394998.1(TANC2):c.5892G>A (p.Thr1964=)

Gene: TANC2 (tetratricopeptide repeat, ankyrin repeat and coiled-coil containing 2; plus strand). Cytogenetic location: 17q23.3.
Variant type: single nucleotide variant.
Coding change: c.5892G>A on transcript NM_001394998.1 (MANE Select); coding-DNA position 5892, G replaced by A.
Protein change: p.Thr1964=; no amino-acid change (threonine 1964 retained).
Molecular consequence: synonymous variant.
Genome position (GRCh38, 1-based): chr17:63,421,622, G>A. VCF-style: chr17-63421622-G-A. GRCh37 (hg19) VCF-style: chr17-61498983-G-A.
Other names: c.5670G>A, p.Thr1890= (NM_001411076.1); c.5640G>A, p.Thr1880= (NM_025185.4).
Identifiers: ClinVar variation 3034209 (VCV003034209.15), dbSNP rs138798097, ClinGen allele CA8698524.
Genomic context (GRCh38, chr17:63,421,622, plus strand): 5'-CCTCCACCAGCAGAATCGGACCTGGGCAGTGTCATCTGTGGACACCGTCCTCAGTCCCAC[G>A]TCTCCAGGCAACCTGCCTCAGCCTGAGTCCTTCAGTCCACCATCATCCATCAGCAACATT-3'
Protein context (NP_001381927.1, residues 1954-1974): VSSVDTVLSP[Thr1964=]SPGNLPQPES

ClinVar aggregate classification (germline): Likely benign. Review status: criteria provided, single submitter (1 of 4 stars). 2 submissions from 2 submitters: Likely benign (1). 1 of the submissions does not count toward it. Last evaluated 2025-01-01.

Conditions:
TANC2-related disorder. Also called: TANC2-related condition.

Allele frequency attached by ClinVar (database versions not stated): gnomAD exomes 0.00005; ExAC 0.00017; 1000 Genomes Project 30x 0.00031; 1000 Genomes Project 0.00040; gnomAD 0.00042; TOPMed 0.00043; ESP Exome Variant Server 0.00055.
gnomAD v4.1: 146 of 1,614,016 alleles (0.009%); highest among the groups gnomAD compares: African/African-American, 0.13%; no homozygotes.

Submissions (2):

CeGaT Center for Human Genetics Tuebingen
Classification: Likely benign. Last evaluated: 2025-01-01. Review status: criteria provided, single submitter. Criteria: CeGaT Center For Human Genetics Tuebingen Variant Classification Criteria Version 2. Collection method: clinical testing. Allele origin: germline. Affected: yes. Observed: 1 variant allele.
Comment: TANC2: BP4, BP7, BS1

PreventionGenetics, part of Exact Sciences
Classification: Likely benign for TANC2-related condition. Last evaluated: 2019-06-12. Review status: no assertion criteria provided. Collection method: clinical testing. Allele origin: germline. Not counted in ClinVar's aggregate classification.
Comment: This variant is classified as likely benign based on ACMG/AMP sequence variant interpretation guidelines (Richards et al. 2015 PMID: 25741868, with internal and published modifications).